The following is an entry in ClinVar:

ClinVar aggregate classification (germline): Likely benign (1 of 4 stars; one submission).

Submission:

CeGaT Center for Human Genetics Tuebingen
Classification: Likely benign. Last evaluated: 2026-01-01. Review status: criteria provided, single submitter. Criteria: CeGaT Center For Human Genetics Tuebingen Variant Classification Criteria Version 2. Collection method: clinical testing. Allele origin: germline. Affected: yes. Observed: 1 variant allele.
Comment: SPATA31D4: BP4, BP7

NM_001145197.1(SPATA31D4):c.2181T>A (p.Gly727=)

Genes: SPATA31D4 (SPATA31 subfamily D member 4; plus strand), LOC105376105 (uncharacterized LOC105376105; minus strand). Cytogenetic location: 9q21.32.
Variant type: single nucleotide variant.
Coding change: c.2181T>A on transcript NM_001145197.1 (MANE Select); coding-DNA position 2181, T replaced by A.
Protein change: p.Gly727=; no amino-acid change (glycine 727 retained).
Molecular consequence: synonymous variant.
Genome position (GRCh38, 1-based): chr9:81,932,342, T>A. VCF-style: chr9-81932342-T-A. GRCh37 (hg19) VCF-style: chr9-84547257-T-A.
Identifiers: ClinVar variation 4823000 (VCV004823000.4).